The following is an entry in ClinVar:

ClinVar aggregate classification (germline): Benign/Likely benign. Review status: criteria provided, multiple submitters, no conflicts (2 of 4 stars). 5 submissions from 5 submitters: Benign (1); Likely benign (4). Last evaluated 2026-01-19.

Conditions:
Ataxia-telangiectasia syndrome (AT). Also called: Ataxia telangiectasia (A-T); Ataxia-telangiectasia, complementation group E; LOUIS-BAR SYNDROME; Cerebello-oculocutaneous telangiectasia; Immunodeficiency with ataxia telangiectasia; Ataxia-telangiectasia, complementation group D. Identifiers: Orphanet 100, MedGen C0004135, MONDO:0008840, OMIM 208900.
Hereditary cancer-predisposing syndrome. Also called: Hereditary Cancer Syndrome; Neoplastic Syndromes, Hereditary; Tumor predisposition; Hereditary neoplastic syndrome. Identifiers: Orphanet 140162, MedGen C0027672, MeSH D009386, MONDO:0015356.
Familial cancer of breast. Also called: Hereditary breast cancer; hereditary breast carcinoma; BREAST CANCER, FAMILIAL. Identifiers: Orphanet 227535, MedGen C0346153, MONDO:0016419, OMIM 114480. Disease mechanism: loss of function.

Allele frequency attached by ClinVar (database versions not stated): ExAC 0.00001; gnomAD exomes 0.00001.
gnomAD v4.1: 8 of 1,614,058 alleles (0.0005%); highest among the groups gnomAD compares: South Asian, 0.0011%; no homozygotes.

Submissions (5):

Labcorp Genetics (formerly Invitae), Labcorp
Classification: Likely benign for Ataxia-telangiectasia syndrome. Last evaluated: 2026-01-19. Review status: criteria provided, single submitter. Criteria: Invitae Variant Classification Sherloc (09022015). Collection method: clinical testing. Allele origin: germline.

Myriad Genetics, Inc.
Classification: Benign for Familial cancer of breast. Last evaluated: 2024-05-23. Review status: criteria provided, single submitter. Criteria: Myriad Autosomal Dominant, Autosomal Recessive and X-Linked Classification Criteria (2023). Collection method: clinical testing. Allele origin: unknown.
Comment: This variant is considered benign. This variant is a silent/synonymous amino acid change and it is not expected to impact splicing.

Women's Health and Genetics/Laboratory Corporation of America, LabCorp
Classification: Likely benign. Last evaluated: 2024-03-25. Review status: criteria provided, single submitter. Criteria: LabCorp Variant Classification Summary - May 2015. Collection method: clinical testing. Allele origin: germline.

Color Diagnostics, LLC DBA Color Health
Classification: Likely benign for Hereditary cancer-predisposing syndrome. Last evaluated: 2018-01-12. Review status: criteria provided, single submitter. Criteria: ACMG Guidelines, 2015. Collection method: clinical testing. Allele origin: germline.

Ambry Genetics
Classification: Likely benign for Hereditary cancer-predisposing syndrome. Last evaluated: 2015-02-17. Review status: criteria provided, single submitter. Criteria: Ambry Variant Classification Scheme 2023. Collection method: clinical testing. Allele origin: germline.

NM_000051.4(ATM):c.5595T>C (p.His1865=)

Gene: ATM (ATM serine/threonine kinase; plus strand). Cytogenetic location: 11q22.3.
Variant type: single nucleotide variant.
Coding change: c.5595T>C on transcript NM_000051.4 (MANE Select); coding-DNA position 5595, T replaced by C.
Protein change: p.His1865=; no amino-acid change (histidine 1865 retained).
Molecular consequence: synonymous variant.
Genome position (GRCh38, 1-based): chr11:108,304,773, T>C. VCF-style: chr11-108304773-T-C. GRCh37 (hg19) VCF-style: chr11-108175500-T-C.
Other names: c.5595T>C, p.His1865= (NM_001351834.2).
Identifiers: ClinVar variation 230413 (VCV000230413.23), dbSNP rs772261410, ClinGen allele CA6265735.